The following is an entry in ClinVar:

ClinVar aggregate classification (germline): Uncertain significance (1 of 4 stars; one submission).

Submission:

Labcorp Genetics (formerly Invitae), Labcorp
Classification: Uncertain significance. Last evaluated: 2024-01-04. Review status: criteria provided, single submitter. Criteria: Invitae Variant Classification Sherloc (09022015). Collection method: clinical testing. Allele origin: germline.
Comment: This sequence change replaces threonine, which is neutral and polar, with proline, which is neutral and non-polar, at codon 565 of the KIF11 protein (p.Thr565Pro). This variant is not present in population databases (gnomAD no frequency). This variant has not been reported in the literature in individuals affected with KIF11-related conditions. Advanced modeling of protein sequence and biophysical properties (such as structural, functional, and spatial information, amino acid conservation, physicochemical variation, residue mobility, and thermodynamic stability) performed at Invitae indicates that this missense variant is not expected to disrupt KIF11 protein function with a negative predictive value of 80%. In summary, the available evidence is currently insufficient to determine the role of this variant in disease. Therefore, it has been classified as a Variant of Uncertain Significance.

NM_004523.4(KIF11):c.1693A>C (p.Thr565Pro)

Gene: KIF11 (kinesin family member 11; plus strand). Cytogenetic location: 10q23.33.
Variant type: single nucleotide variant.
Coding change: c.1693A>C on transcript NM_004523.4 (MANE Select); coding-DNA position 1693, A replaced by C.
Protein change: p.Thr565Pro; replaces threonine 565 with proline.
Molecular consequence: missense variant.
Genome position (GRCh38, 1-based): chr10:92,632,684, A>C. VCF-style: chr10-92632684-A-C. GRCh37 (hg19) VCF-style: chr10-94392441-A-C.
Other names: short protein forms T565P.
Identifiers: ClinVar variation 2707457 (VCV002707457.3), dbSNP rs1844751652, ClinGen allele CA377592491.
Genomic context (GRCh38, chr10:92,632,684, plus strand): 5'-ATGGAAGAATTAATTAAGGATGGCAGCTCAAAGCAAAAGGCCATGCTAGAAGTACATAAG[A>C]CCTTATTTGGTAAGTTCAGGCTGTTCTGTTCTAGTCTTGATGTGTTAAGTGTAATGTTGA-3'
Protein context (NP_004514.2, residues 555-575): KQKAMLEVHK[Thr565Pro]LFGNLLSSSV